The following is an entry in ClinVar:

NM_020458.4(TTC7A):c.380T>C (p.Leu127Pro)

Gene: TTC7A (tetratricopeptide repeat domain 7A; plus strand). Cytogenetic location: 2p21.
Variant type: single nucleotide variant.
Coding change: c.380T>C on transcript NM_020458.4 (MANE Select); coding-DNA position 380, T replaced by C.
Protein change: p.Leu127Pro; replaces leucine 127 with proline.
Molecular consequence: missense variant. On other transcripts: 5 prime UTR variant (1).
Genome position (GRCh38, 1-based): chr2:46,956,870, T>C. VCF-style: chr2-46956870-T-C. GRCh37 (hg19) VCF-style: chr2-47184009-T-C.
Other names: c.380T>C, p.Leu127Pro (NM_001288951.2); c.278T>C, p.Leu93Pro (NM_001288953.2); c.-525T>C (NM_001288955.2); short protein forms L93P, L127P.
Identifiers: ClinVar variation 1381482 (VCV001381482.6), dbSNP rs1671902012, ClinGen allele CA346718617.
Genomic context (GRCh38, chr2:46,956,870, plus strand): 5'-GCGCTGGTAACATGTCCTTGTCATTTCAGCCACAGTACATGTGTGAGGCCATGCTGATCC[T>C]GGGCAAACTGCATTACGTGGAGGGCTCATACCGAGATGCCATCAGCATGTACGCACGGGC-3'
Protein context (NP_065191.2, residues 117-137): PQYMCEAMLI[Leu127Pro]GKLHYVEGSY

ClinVar aggregate classification (germline): Uncertain significance (1 of 4 stars; one submission).

Conditions:
Multiple gastrointestinal atresias. Also called: FAMILIAL INTESTINAL POLYATRESIA SYNDROME; Multiple intestinal atresia. Identifiers: Orphanet 2300, MedGen C0220744, MONDO:0009465.

Submission:

Labcorp Genetics (formerly Invitae), Labcorp
Classification: Uncertain significance for Multiple gastrointestinal atresias. Last evaluated: 2021-09-15. Review status: criteria provided, single submitter. Criteria: Invitae Variant Classification Sherloc (09022015). Collection method: clinical testing. Allele origin: germline.
Comment: This sequence change replaces leucine with proline at codon 127 of the TTC7A protein (p.Leu127Pro). The leucine residue is moderately conserved and there is a moderate physicochemical difference between leucine and proline. This variant is not present in population databases (ExAC no frequency). In summary, the available evidence is currently insufficient to determine the role of this variant in disease. Therefore, it has been classified as a Variant of Uncertain Significance. Algorithms developed to predict the effect of missense changes on protein structure and function are either unavailable or do not agree on the potential impact of this missense change (SIFT: "Deleterious"; PolyPhen-2: "Possibly Damaging"; Align-GVGD: "Class C0"). This variant has not been reported in the literature in individuals affected with TTC7A-related conditions.